The following is an entry in ClinVar:

NM_016580.4(PCDH12):c.954C>A (p.Tyr318Ter)

Genes: RNF14 (ring finger protein 14; plus strand), PCDH12 (protocadherin 12; minus strand). Cytogenetic location: 5q31.3.
Variant type: single nucleotide variant.
Coding change: c.954C>A on transcript NM_016580.4 (MANE Select); coding-DNA position 954, C replaced by A.
Protein change: p.Tyr318Ter; replaces tyrosine 318 with a stop codon.
Molecular consequence: nonsense.
Genome position (GRCh38, 1-based): chr5:141,956,898, G>T on the plus strand (C>A on the coding strand, the complement: PCDH12 is on the minus strand). VCF-style: chr5-141956898-G-T. GRCh37 (hg19) VCF-style: chr5-141336463-G-T.
Other names: short protein forms Y318*.
Identifiers: ClinVar variation 3075985 (VCV003075985.3), dbSNP rs148884293, ClinGen allele CA3484480.

ClinVar aggregate classification (germline): Pathogenic/Likely pathogenic. Review status: criteria provided, multiple submitters, no conflicts (2 of 4 stars). 3 submissions from 3 submitters: Pathogenic (1); Likely pathogenic (2). Last evaluated 2026-01-11.

Conditions:
Disorder of development or morphogenesis. Identifiers: MedGen C0694457, MONDO:0021147.
Diencephalic-mesencephalic junction dysplasia. Also called: Diencephalic-mesencephalic junction dysplasia syndrome. Identifiers: Orphanet 319192, MedGen C4707858, MONDO:0017868.

gnomAD v4.1: 182 of 1,614,048 alleles (0.011%); highest among the groups gnomAD compares: Non-Finnish European, 0.015%; no homozygotes.

Submissions (3):

Labcorp Genetics (formerly Invitae), Labcorp
Classification: Pathogenic. Last evaluated: 2026-01-11. Review status: criteria provided, single submitter. Criteria: Invitae Variant Classification Sherloc (09022015). Collection method: clinical testing. Allele origin: germline.
Comment: This sequence change creates a premature translational stop signal (p.Tyr318*) in the PCDH12 gene. It is expected to result in an absent or disrupted protein product. Loss-of-function variants in PCDH12 are known to be pathogenic (PMID: 27164683, 29556033). This variant is present in population databases (rs148884293, gnomAD 0.006%). This variant has not been reported in the literature in individuals affected with PCDH12-related conditions. ClinVar contains an entry for this variant (Variation ID: 3075985). For these reasons, this variant has been classified as Pathogenic.

Laboratory for Molecular Medicine, Mass General Brigham Personalized Medicine
Classification: Likely pathogenic for Diencephalic-mesencephalic junction dysplasia. Last evaluated: 2024-03-20. Review status: criteria provided, single submitter. Criteria: ACMG Guidelines, 2015. Collection method: clinical testing. Allele origin: germline. Inheritance: Autosomal recessive inheritance.
Comment: The p.Tyr318X variant in PCDH12 has not been previously reported in individuals with PCDH12-associated disorders but has been identified in 0.0058% (4/68016) of European chromosomes by gnomAD (v.3.1.2). This nonsense variant leads to a premature termination codon at position 318, which is predicted to lead to a truncated or absent protein. Loss of function variants in the PCDH12 gene have been observed in many individuals with autosomal recessive diencephalic mesencephalic junction dysplasia syndrome (Aran 2016 PMID: 27164683, Guemez-Gamboa 2018 PMID: 30178464, Fazeli 2021 PMID: 34773825). Additionally, ex vivo functional studies using a cortical organoid model from human stem cell line knockouts that were missing the PCDH12 protein have shown that loss of PCDH12 severely impairs cerebral organoid development with reduced proliferative areas and disrupted laminar organization (Rakotomamonjy 2023 PMID: 37480564), which is in line with the clinical phenotype observed in patients. In summary, although additional studies are required to fully establish its clinical significance, this variant meets criteria to be classified as likely pathogenic for autosomal recessive diencephalic mesencephalic junction dysplasia syndrome. ACMG/AMP Criteria applied: PVS1, PM2_Supporting.

Cambridge Genomics Laboratory, East Genomic Laboratory Hub, NHS Genomic Medicine Service
Classification: Likely pathogenic for Disorder of development or morphogenesis. Last evaluated: 2020-02-05. Review status: criteria provided, single submitter. Criteria: ACGS Best Practice Guidelines for Variant Classification in Rare Disease 2020. Collection method: clinical testing. Allele origin: germline. Affected: yes. Observed: 1 variant allele.

Literature cited by the submitters: PubMed 27164683 (cited by Labcorp Genetics (formerly Invitae), Labcorp and Laboratory for Molecular Medicine, Mass General Brigham Personalized Medicine); PubMed 29556033 (cited by Labcorp Genetics (formerly Invitae), Labcorp); PubMed 30178464 (cited by Laboratory for Molecular Medicine, Mass General Brigham Personalized Medicine); PubMed 34773825 (cited by Laboratory for Molecular Medicine, Mass General Brigham Personalized Medicine); PubMed 37480564 (cited by Laboratory for Molecular Medicine, Mass General Brigham Personalized Medicine).